The following is an entry in ClinVar:

NM_032380.5(GFM2):c.1483G>A (p.Glu495Lys)

Gene: GFM2 (GTP dependent ribosome recycling factor mitochondrial 2; minus strand). Cytogenetic location: 5q13.3.
Variant type: single nucleotide variant.
Coding change: c.1483G>A on transcript NM_032380.5 (MANE Select); coding-DNA position 1483, G replaced by A.
Protein change: p.Glu495Lys; replaces glutamic acid 495 with lysine.
Molecular consequence: missense variant. On other transcripts: non-coding transcript variant (1).
Genome position (GRCh38, 1-based): chr5:74,736,823, C>T on the plus strand (G>A on the coding strand, the complement: GFM2 is on the minus strand). VCF-style: chr5-74736823-C-T. GRCh37 (hg19) VCF-style: chr5-74032648-C-T.
Other names: c.1579G>A, p.Glu527Lys (NM_001281302.2); c.1483G>A, p.Glu495Lys (NM_170681.3); c.1342G>A, p.Glu448Lys (NM_170691.3); short protein forms E527K, E448K, E495K.
Identifiers: ClinVar variation 3694425 (VCV003694425.2).

ClinVar aggregate classification (germline): Uncertain significance (1 of 4 stars; one submission).

Submission:

Labcorp Genetics (formerly Invitae), Labcorp
Classification: Uncertain significance. Last evaluated: 2024-04-09. Review status: criteria provided, single submitter. Criteria: Invitae Variant Classification Sherloc (09022015). Collection method: clinical testing. Allele origin: germline.
Comment: This sequence change replaces glutamic acid, which is acidic and polar, with lysine, which is basic and polar, at codon 495 of the GFM2 protein (p.Glu495Lys). This variant is not present in population databases (gnomAD no frequency). This variant has not been reported in the literature in individuals affected with GFM2-related conditions. Advanced modeling of protein sequence and biophysical properties (such as structural, functional, and spatial information, amino acid conservation, physicochemical variation, residue mobility, and thermodynamic stability) performed at Invitae indicates that this missense variant is expected to disrupt GFM2 protein function with a positive predictive value of 80%. In summary, the available evidence is currently insufficient to determine the role of this variant in disease. Therefore, it has been classified as a Variant of Uncertain Significance.